The following is an entry in ClinVar:

NM_000179.3(MSH6):c.2215A>G (p.Thr739Ala)

Gene: MSH6 (mutS homolog 6; plus strand). Cytogenetic location: 2p16.3.
Variant type: single nucleotide variant.
Coding change: c.2215A>G on transcript NM_000179.3 (MANE Select); coding-DNA position 2215, A replaced by G.
Protein change: p.Thr739Ala; replaces threonine 739 with alanine.
Molecular consequence: missense variant.
Genome position (GRCh38, 1-based): chr2:47,800,198, A>G. VCF-style: chr2-47800198-A-G. GRCh37 (hg19) VCF-style: chr2-48027337-A-G.
Other names: c.1825A>G, p.Thr609Ala (NM_001281492.2); c.1309A>G, p.Thr437Ala (NM_001281493.2, NM_001281494.2); short protein forms T739A, T609A, T437A.
Identifiers: ClinVar variation 479884 (VCV000479884.10), dbSNP rs1553413582, ClinGen allele CA346752399.

ClinVar aggregate classification (germline): Uncertain significance. Review status: criteria provided, multiple submitters, no conflicts (2 of 4 stars). 3 submissions from 3 submitters: Uncertain significance (3). Last evaluated 2025-03-15.

Conditions:
Hereditary nonpolyposis colorectal neoplasms. Identifiers: MedGen C0009405, MeSH D003123.
Hereditary cancer-predisposing syndrome. Also called: Hereditary Cancer Syndrome; Neoplastic Syndromes, Hereditary; Tumor predisposition; Hereditary neoplastic syndrome. Identifiers: Orphanet 140162, MedGen C0027672, MeSH D009386, MONDO:0015356.

Submissions (3):

Labcorp Genetics (formerly Invitae), Labcorp
Classification: Uncertain significance for Hereditary nonpolyposis colorectal neoplasms. Last evaluated: 2025-03-15. Review status: criteria provided, single submitter. Criteria: Invitae Variant Classification Sherloc (09022015). Collection method: clinical testing. Allele origin: germline.
Comment: This sequence change replaces threonine, which is neutral and polar, with alanine, which is neutral and non-polar, at codon 739 of the MSH6 protein (p.Thr739Ala). This variant is not present in population databases (gnomAD no frequency). This variant has not been reported in the literature in individuals affected with MSH6-related conditions. ClinVar contains an entry for this variant (Variation ID: 479884). Invitae Evidence Modeling of protein sequence and biophysical properties (such as structural, functional, and spatial information, amino acid conservation, physicochemical variation, residue mobility, and thermodynamic stability) has been performed for this missense variant. However, the output from this modeling did not meet the statistical confidence thresholds required to predict the impact of this variant on MSH6 protein function. In summary, the available evidence is currently insufficient to determine the role of this variant in disease. Therefore, it has been classified as a Variant of Uncertain Significance.

Ambry Genetics
Classification: Uncertain significance for Hereditary cancer-predisposing syndrome. Last evaluated: 2023-08-10. Review status: criteria provided, single submitter. Criteria: Ambry Variant Classification Scheme 2023. Collection method: clinical testing. Allele origin: germline.
Comment: The p.T739A variant (also known as c.2215A>G), located in coding exon 4 of the MSH6 gene, results from an A to G substitution at nucleotide position 2215. The threonine at codon 739 is replaced by alanine, an amino acid with similar properties. This amino acid position is highly conserved in available vertebrate species. In addition, this alteration is predicted to be deleterious by in silico analysis. Since supporting evidence is limited at this time, the clinical significance of this alteration remains unclear.

Quest Diagnostics Nichols Institute San Juan Capistrano
Classification: Uncertain significance. Last evaluated: 2020-08-14. Review status: criteria provided, single submitter. Criteria: Quest Diagnostics criteria. Collection method: clinical testing. Allele origin: unknown.